The following is an entry in ClinVar:

ClinVar aggregate classification (germline): Uncertain significance (1 of 4 stars; one submission).

Conditions:
Familial thoracic aortic aneurysm and aortic dissection (TAAD). Also called: Thoracic aortic aneurysms and dissections. Identifiers: Orphanet 91387, MedGen C4707243, MONDO:0019625.

Submission:

Color Diagnostics, LLC DBA Color Health
Classification: Uncertain significance for Familial thoracic aortic aneurysm and aortic dissection. Last evaluated: 2025-09-30. Review status: criteria provided, single submitter. Criteria: ACMG Guidelines, 2015. Collection method: clinical testing. Allele origin: germline.
Comment: This missense variant replaces glycine with aspartic acid at codon 897 of the FBN1 protein. Computational prediction suggests that this variant may not impact protein structure and function. To our knowledge, functional studies have not been reported for this variant. This variant has been reported in an individual suspected of heritable thoracic aortic disorder (PMID: 29907982). This variant has not been identified in the general population by the Genome Aggregation Database (gnomAD). The available evidence is insufficient to determine the role of this variant in disease conclusively. Therefore, this variant is classified as a Variant of Uncertain Significance.

Literature cited by the submitters: PubMed 29907982.

NM_000138.5(FBN1):c.2690G>A (p.Gly897Asp)

Gene: FBN1 (fibrillin 1; minus strand). Cytogenetic location: 15q21.1.
Variant type: single nucleotide variant.
Coding change: c.2690G>A on transcript NM_000138.5 (MANE Select); coding-DNA position 2690, G replaced by A.
Protein change: p.Gly897Asp; replaces glycine 897 with aspartic acid.
Molecular consequence: missense variant.
Genome position (GRCh38, 1-based): chr15:48,494,242, C>T on the plus strand (G>A on the coding strand, the complement: FBN1 is on the minus strand). VCF-style: chr15-48494242-C-T. GRCh37 (hg19) VCF-style: chr15-48786439-C-T.
Other names: c.2690G>A, p.Gly897Asp (NM_001406716.1); short protein forms G897D.
Identifiers: ClinVar variation 4758417 (VCV004758417.1).